The following is an entry in ClinVar:

ClinVar aggregate classification (germline): Uncertain significance (1 of 4 stars; one submission).

Submission:

Labcorp Genetics (formerly Invitae), Labcorp
Classification: Uncertain significance. Last evaluated: 2022-10-24. Review status: criteria provided, single submitter. Criteria: Invitae Variant Classification Sherloc (09022015). Collection method: clinical testing. Allele origin: germline.
Comment: This sequence change replaces cysteine, which is neutral and slightly polar, with phenylalanine, which is neutral and non-polar, at codon 452 of the CHD4 protein (p.Cys452Phe). This variant is not present in population databases (gnomAD no frequency). This variant has not been reported in the literature in individuals affected with CHD4-related conditions. Advanced modeling of protein sequence and biophysical properties (such as structural, functional, and spatial information, amino acid conservation, physicochemical variation, residue mobility, and thermodynamic stability) performed at Invitae indicates that this missense variant is expected to disrupt CHD4 protein function. In summary, the available evidence is currently insufficient to determine the role of this variant in disease. Therefore, it has been classified as a Variant of Uncertain Significance.

NM_001273.5(CHD4):c.1355G>T (p.Cys452Phe)

Gene: CHD4 (chromodomain helicase DNA binding protein 4; minus strand). Cytogenetic location: 12p13.31.
Variant type: single nucleotide variant.
Coding change: c.1355G>T on transcript NM_001273.5 (MANE Select); coding-DNA position 1355, G replaced by T.
Protein change: p.Cys452Phe; replaces cysteine 452 with phenylalanine.
Molecular consequence: missense variant.
Genome position (GRCh38, 1-based): chr12:6,599,900, C>A on the plus strand (G>T on the coding strand, the complement: CHD4 is on the minus strand). VCF-style: chr12-6599900-C-A. GRCh37 (hg19) VCF-style: chr12-6709066-C-A.
Other names: c.1334G>T, p.Cys445Phe (NM_001297553.2); c.1316G>T, p.Cys439Phe (NM_001363606.2); short protein forms C439F, C445F, C452F.
Identifiers: ClinVar variation 2015024 (VCV002015024.4), dbSNP rs2540410560, ClinGen allele CA383600705.